The following is an entry in ClinVar:

ClinVar aggregate classification (germline): Uncertain significance (1 of 4 stars; one submission).

Conditions:
Hereditary cancer-predisposing syndrome. Also called: Neoplastic Syndromes, Hereditary; Tumor predisposition; Hereditary Cancer Syndrome; Hereditary neoplastic syndrome. Identifiers: Orphanet 140162, MedGen C0027672, MeSH D009386, MONDO:0015356.

Submission:

Ambry Genetics
Classification: Uncertain significance for Hereditary cancer-predisposing syndrome. Last evaluated: 2021-08-13. Review status: criteria provided, single submitter. Criteria: Ambry Variant Classification Scheme 2023. Collection method: clinical testing. Allele origin: germline.
Comment: The p.L1249M variant (also known as c.3745C>A), located in coding exon 24 of the RAD50 gene, results from a C to A substitution at nucleotide position 3745. The leucine at codon 1249 is replaced by methionine, an amino acid with highly similar properties. This amino acid position is conserved. In addition, this alteration is predicted to be tolerated by in silico analysis. Since supporting evidence is limited at this time, the clinical significance of this alteration remains unclear.

NM_005732.4(RAD50):c.3745C>A (p.Leu1249Met)

Genes: RAD50 (RAD50 double strand break repair protein; plus strand), TH2-LCR (Th2 cytokine locus control region; plus strand), TH2LCRR (T helper type 2 locus control region associated RNA; minus strand). Cytogenetic location: 5q31.1.
Variant type: single nucleotide variant.
Coding change: c.3745C>A on transcript NM_005732.4 (MANE Select); coding-DNA position 3745, C replaced by A.
Protein change: p.Leu1249Met; replaces leucine 1249 with methionine.
Molecular consequence: missense variant.
Genome position (GRCh38, 1-based): chr5:132,640,798, C>A. VCF-style: chr5-132640798-C-A. GRCh37 (hg19) VCF-style: chr5-131976490-C-A.
Other names: short protein forms L1249M.
Identifiers: ClinVar variation 1734503 (VCV001734503.2), dbSNP rs1230753352, ClinGen allele CA360935033.